The following is an entry in ClinVar:

ClinVar aggregate classification (germline): Uncertain significance. Review status: criteria provided, multiple submitters, no conflicts (2 of 4 stars). 2 submissions from 2 submitters: Uncertain significance (2). Last evaluated 2023-11-23.

Conditions:
Familial adenomatous polyposis 1 (FAP1). Also called: POLYPOSIS, ADENOMATOUS INTESTINAL; FAMILIAL ADENOMATOUS POLYPOSIS 1, ATTENUATED. Identifiers: MedGen C2713442, MONDO:0021056, OMIM 175100. Disease mechanism: loss of function.

Submissions (2):

Baylor Genetics
Classification: Uncertain significance for Familial adenomatous polyposis 1. Last evaluated: 2023-11-23. Review status: criteria provided, single submitter. Criteria: ACMG Guidelines, 2015. Collection method: clinical testing. Allele origin: unknown.

Labcorp Genetics (formerly Invitae), Labcorp
Classification: Uncertain significance for Familial adenomatous polyposis 1. Last evaluated: 2021-02-08. Review status: criteria provided, single submitter. Criteria: Invitae Variant Classification Sherloc (09022015). Collection method: clinical testing. Allele origin: germline.
Comment: In summary, the available evidence is currently insufficient to determine the role of this variant in disease. Therefore, it has been classified as a Variant of Uncertain Significance. Algorithms developed to predict the effect of missense changes on protein structure and function (SIFT, PolyPhen-2, Align-GVGD) all suggest that this variant is likely to be tolerated, but these predictions have not been confirmed by published functional studies and their clinical significance is uncertain. This variant has not been reported in the literature in individuals with APC-related conditions. This variant is not present in population databases (ExAC no frequency). This sequence change replaces aspartic acid with glutamic acid at codon 1532 of the APC protein (p.Asp1532Glu). The aspartic acid residue is highly conserved and there is a small physicochemical difference between aspartic acid and glutamic acid.

NM_000038.6(APC):c.4596C>G (p.Asp1532Glu)

Gene: APC (APC regulator of Wnt signaling pathway; plus strand). Cytogenetic location: 5q22.2.
Variant type: single nucleotide variant.
Coding change: c.4596C>G on transcript NM_000038.6 (MANE Select); coding-DNA position 4596, C replaced by G.
Protein change: p.Asp1532Glu; replaces aspartic acid 1532 with glutamic acid.
Molecular consequence: missense variant.
Genome position (GRCh38, 1-based): chr5:112,840,190, C>G. VCF-style: chr5-112840190-C-G. GRCh37 (hg19) VCF-style: chr5-112175887-C-G.
Other names: c.4596C>G, p.Asp1532Glu (NM_001127510.3, NM_001354895.2); c.4542C>G, p.Asp1514Glu (NM_001127511.3); c.4650C>G, p.Asp1550Glu (NM_001354896.2); c.4626C>G, p.Asp1542Glu (NM_001354897.2); c.4521C>G, p.Asp1507Glu (NM_001354898.2); c.4512C>G, p.Asp1504Glu (NM_001354899.2); c.4473C>G, p.Asp1491Glu (NM_001354900.2); c.4419C>G, p.Asp1473Glu (NM_001354901.2); and 5 more; short protein forms D1431E, D1504E, D1532E, D1441E, D1249E, D1491E, D1507E, D1550E.
Identifiers: ClinVar variation 1483670 (VCV001483670.9), dbSNP rs2149918553, ClinGen allele CA16031398.